The following is an entry in ClinVar:

NM_001204.7(BMPR2):c.806C>T (p.Ala269Val)

Gene: BMPR2 (bone morphogenetic protein receptor type 2; plus strand). Cytogenetic location: 2q33.2.
Variant type: single nucleotide variant.
Coding change: c.806C>T on transcript NM_001204.7 (MANE Select); coding-DNA position 806, C replaced by T.
Protein change: p.Ala269Val; replaces alanine 269 with valine.
Molecular consequence: missense variant.
Genome position (GRCh38, 1-based): chr2:202,519,006, C>T. VCF-style: chr2-202519006-C-T. GRCh37 (hg19) VCF-style: chr2-203383729-C-T.
Other names: short protein forms A269V.
Identifiers: ClinVar variation 3769416 (VCV003769416.2).

ClinVar aggregate classification (germline): Uncertain significance (1 of 4 stars; one submission).

Submission:

Women's Health and Genetics/Laboratory Corporation of America, LabCorp
Classification: Uncertain significance. Last evaluated: 2025-01-31. Review status: criteria provided, single submitter. Criteria: LabCorp Variant Classification Summary - May 2015. Collection method: clinical testing. Allele origin: germline.
Comment: Variant summary: BMPR2 c.806C>T (p.Ala269Val) results in a non-conservative amino acid change located in the Protein kinase domain profile (IPR000719) of the encoded protein sequence. Three of five in-silico tools predict a benign effect of the variant on protein function. The variant was absent in 251254 control chromosomes. The available data on variant occurrences in the general population are insufficient to allow any conclusion about variant significance. To our knowledge, no occurrence of c.806C>T in individuals affected with BMPR2-Related Disorders and no experimental evidence demonstrating its impact on protein function have been reported. No submitters have cited clinical-significance assessments for this variant to ClinVar. Based on the evidence outlined above, the variant was classified as uncertain significance.